The following is an entry in ClinVar:

ClinVar aggregate classification (germline): Uncertain significance (1 of 4 stars; one submission).

Conditions:
EGFR-related lung cancer (EGFR). Identifiers: MedGen CN130014.

gnomAD v4.1: 1 of 1,614,162 alleles (0.000062%); highest among the groups gnomAD compares: Non-Finnish European, 0.000085%; no homozygotes.

Submission:

Labcorp Genetics (formerly Invitae), Labcorp
Classification: Uncertain significance for EGFR-related lung cancer. Last evaluated: 2026-01-26. Review status: criteria provided, single submitter. Criteria: Invitae Variant Classification Sherloc (09022015). Collection method: clinical testing. Allele origin: germline.
Comment: This sequence change replaces aspartic acid, which is acidic and polar, with valine, which is neutral and non-polar, at codon 1006 of the EGFR protein (p.Asp1006Val). This variant is not present in population databases (gnomAD no frequency). This variant has not been reported in the literature in individuals affected with EGFR-related conditions. Invitae Evidence Modeling of protein sequence and biophysical properties (such as structural, functional, and spatial information, amino acid conservation, physicochemical variation, residue mobility, and thermodynamic stability) indicates that this missense variant is not expected to disrupt EGFR protein function with a negative predictive value of 80%. In summary, the available evidence is currently insufficient to determine the role of this variant in disease. Therefore, it has been classified as a Variant of Uncertain Significance.

NM_005228.5(EGFR):c.3017A>T (p.Asp1006Val)

Gene: EGFR (epidermal growth factor receptor; plus strand). Cytogenetic location: 7p11.2.
Variant type: single nucleotide variant.
Coding change: c.3017A>T on transcript NM_005228.5 (MANE Select); coding-DNA position 3017, A replaced by T.
Protein change: p.Asp1006Val; replaces aspartic acid 1006 with valine.
Molecular consequence: missense variant.
Genome position (GRCh38, 1-based): chr7:55,201,258, A>T. VCF-style: chr7-55201258-A-T. GRCh37 (hg19) VCF-style: chr7-55268951-A-T.
Other names: c.2882A>T, p.Asp961Val (NM_001346897.2, NM_001346899.2); c.3017A>T, p.Asp1006Val (NM_001346898.2); c.2858A>T, p.Asp953Val (NM_001346900.2); c.2216A>T, p.Asp739Val (NM_001346941.2); short protein forms D739V, D1006V, D953V, D961V.
Identifiers: ClinVar variation 4743409 (VCV004743409.1).